The following is an entry in ClinVar:

ClinVar aggregate classification (germline): Uncertain significance (1 of 4 stars; one submission).

Allele frequency attached by ClinVar (database versions not stated): TOPMed below 0.00001; gnomAD exomes 0.00001.

Submission:

Labcorp Genetics (formerly Invitae), Labcorp
Classification: Uncertain significance. Last evaluated: 2022-04-23. Review status: criteria provided, single submitter. Criteria: Invitae Variant Classification Sherloc (09022015). Collection method: clinical testing. Allele origin: germline.
Comment: This sequence change replaces methionine, which is neutral and non-polar, with valine, which is neutral and non-polar, at codon 1645 of the C2CD3 protein (p.Met1645Val). This variant is not present in population databases (gnomAD no frequency). This variant has not been reported in the literature in individuals affected with C2CD3-related conditions. Algorithms developed to predict the effect of missense changes on protein structure and function are either unavailable or do not agree on the potential impact of this missense change (SIFT: "Deleterious"; PolyPhen-2: "Benign"; Align-GVGD: "Class C0"). In summary, the available evidence is currently insufficient to determine the role of this variant in disease. Therefore, it has been classified as a Variant of Uncertain Significance.

NM_001286577.2(C2CD3):c.4933A>G (p.Met1645Val)

Gene: C2CD3 (C2 domain containing 3 centriole elongation regulator; minus strand). Cytogenetic location: 11q13.4.
Variant type: single nucleotide variant.
Coding change: c.4933A>G on transcript NM_001286577.2 (MANE Select); coding-DNA position 4933, A replaced by G.
Protein change: p.Met1645Val; replaces methionine 1645 with valine.
Molecular consequence: missense variant.
Genome position (GRCh38, 1-based): chr11:74,074,271, T>C on the plus strand (A>G on the coding strand, the complement: C2CD3 is on the minus strand). VCF-style: chr11-74074271-T-C. GRCh37 (hg19) VCF-style: chr11-73785316-T-C.
Other names: c.4933A>G, p.Met1645Val (NM_015531.6); short protein forms M1645V.
Identifiers: ClinVar variation 1931698 (VCV001931698.2), dbSNP rs984349444, ClinGen allele CA224493474.